The following continues an entry in ClinVar:

NM_005859.5(PURA):c.691TTC[2] (p.Phe233del)

Gene: PURA. ClinVar aggregate classification (germline): Pathogenic/Likely pathogenic. Pathogenic (10); Likely pathogenic (3).

Submissions 13 to 17 of 17:

Rady Children's Institute for Genomic Medicine, Rady Children's Hospital San Diego
Classification: Pathogenic for PURA Syndrome. Review status: criteria provided, single submitter. Criteria: ACMG Guidelines, 2015. Collection method: clinical testing. Allele origin: germline. Affected: yes.
Comment: This variant has been previously reported as a de novo change in patients with intellectual disability, motor and cognitive delays hypotonia, feeding difficulties and seizures (PMID: 27148565, 31273778, 25342064). The c.697_699del (p.Phe233del) variant affects a highly conserved phenylalanine residue in the PUR repeat III which has been implicated in the dimerization of two PURA molecules (PMID: 19846792). It is absent from the gnomAD population database and thus is presumed to be rare. Analysis of the parental samples was negative for the variant, indicating this variant likely occurred as a de novo event. However, low-level parental mosaicism cannot be excluded. Based on the available evidence, the c.697_699del (p.Phe233del) variant is classified as Pathogenic.

PreventionGenetics, part of Exact Sciences
Classification: Pathogenic for PURA-related condition. Last evaluated: 2023-11-08. Review status: no assertion criteria provided. Collection method: clinical testing. Allele origin: germline. Not counted in ClinVar's aggregate classification.
Comment: The PURA c.697_699delTTC variant is predicted to result in an in-frame deletion (p.Phe233del). This variant has been reported de novo in multiple individuals with PURA syndrome (Hunt et al. 2014. PubMed ID: 25342064; Tanaka et al. 2015. PubMed ID: 27148565; Strauss et al. 2018. PubMed ID: 28726809; Reijnders et al. 2018. PubMed ID: 29097605; Lee et al. 2018. PubMed ID: 29150892; Borlot et al. 2019. PubMed ID: 31273778; Cinquina et al. 2021. PubMed ID: 33275834). This variant has not been reported in a large population database, indicating this variant is rare. This variant is interpreted as pathogenic.

OMIM
Classification: Pathogenic for NEURODEVELOPMENTAL DISORDER WITH NEONATAL RESPIRATORY INSUFFICIENCY, HYPOTONIA, AND FEEDING DIFFICULTIES. Last evaluated: 2014-12-01. Review status: no assertion criteria provided. Collection method: literature only. Allele origin: germline. Not counted in ClinVar's aggregate classification.

Clinical Genetics Department, Johns Hopkins All Children's Hospital
Classification: Pathogenic for PURA-related severe neonatal hypotonia-seizures-encephalopathy syndrome. Review status: no assertion criteria provided. Collection method: clinical testing. Allele origin: de novo. Inheritance: Sporadic. Affected: yes. Observed: 1 variant allele, 1 heterozygote. Not counted in ClinVar's aggregate classification.

GeneReviews
No classification provided. Condition: PURA-related severe neonatal hypotonia-seizures-encephalopathy syndrome. Review status: no classification provided. Collection method: literature only. Allele origin: germline. Not counted in ClinVar's aggregate classification.

Literature cited by the submitters: PubMed 27148565 (cited by 6 submitters); PubMed 25342064 (cited by 7 submitters); PubMed 28726809 (cited by 3 submitters); PubMed 29097605 (cited by 3 submitters); PubMed 29150892 (cited by 3 submitters); PubMed 9461080 (cited by Ambry Genetics); PubMed 19846792 (cited by Ambry Genetics); PubMed 26744780 (cited by Ambry Genetics); PubMed 12818205 (cited by Ambry Genetics); NCBI Bookshelf NBK426063 (cited by GeneReviews); PubMed 28448108 (cited by GeneReviews).